The following is an entry in ClinVar:

ClinVar aggregate classification (germline): Pathogenic (1 of 4 stars; one submission).

Conditions:
Mucopolysaccharidosis, MPS-IV-A (MPS4A). Also called: Mucopolysaccharidosis type IV A; Mucopolysaccharidosis Type IVA; Morquio syndrome A, mild; MORQUIO SYNDROME A; MPS IVA; mucopolysaccharidosis type 4A. Identifiers: Orphanet 309297, Orphanet 582, MedGen C0086651, MONDO:0009659, OMIM 253000.

Submission:

Laboratory of Diagnosis and Therapy of Lysosomal Disorders, University of Padova
Classification: Pathogenic for Mucopolysaccharidosis, MPS-IV-A. Last evaluated: 2021-02-01. Review status: criteria provided, single submitter. Criteria: ACMG Guidelines, 2015. Collection method: curation. Allele origin: germline. Affected: yes.
Comment: Nonsense variant (PVS1_very strong); in vivo functional studies supportive of a damaging effect on the gene product (low to null enzymatic activity in homozygotes; PS3_supporting); absent from gnomAD v2.1.1 (PM2_moderate)

Literature cited by the submitters: PubMed 24726177; PubMed 34387910.

NM_000512.5(GALNS):c.627C>G (p.Tyr209Ter)

Gene: GALNS (galactosamine (N-acetyl)-6-sulfatase; minus strand). Cytogenetic location: 16q24.3.
Variant type: single nucleotide variant.
Coding change: c.627C>G on transcript NM_000512.5 (MANE Select); coding-DNA position 627, C replaced by G.
Protein change: p.Tyr209Ter; replaces tyrosine 209 with a stop codon.
Molecular consequence: nonsense.
Genome position (GRCh38, 1-based): chr16:88,836,207, G>C on the plus strand (C>G on the coding strand, the complement: GALNS is on the minus strand). VCF-style: chr16-88836207-G-C. GRCh37 (hg19) VCF-style: chr16-88902615-G-C.
Other names: c.72C>G, p.Tyr24Ter (NM_001323543.2); c.645C>G, p.Tyr215Ter (NM_001323544.2); short protein forms Y209*, Y215*, Y24*.
Identifiers: ClinVar variation 1048464 (VCV001048464.3), dbSNP rs2143001706, ClinGen allele CA397081068.
Genomic context (GRCh38, chr16:88,836,207, plus strand): 5'-GCGGTCCCCGTCCCCATGCGTCCCACAGGGCGAGGATGGTGCGGTCCCCATCACCTGCAG[G>C]TAGATCTGGGTGAGGTTGGCTTCCCCCGTCTTCAGATTAATAGGAAATTCTTCATAATAT-3'